The following is an entry in ClinVar:

NM_001113378.2(FANCI):c.481A>G (p.Ile161Val)

Gene: FANCI (FA complementation group I; plus strand). Cytogenetic location: 15q26.1.
Variant type: single nucleotide variant.
Coding change: c.481A>G on transcript NM_001113378.2 (MANE Select); coding-DNA position 481, A replaced by G.
Protein change: p.Ile161Val; replaces isoleucine 161 with valine.
Molecular consequence: missense variant.
Genome position (GRCh38, 1-based): chr15:89,261,856, A>G. VCF-style: chr15-89261856-A-G. GRCh37 (hg19) VCF-style: chr15-89805087-A-G.
Other names: c.202A>G, p.Ile68Val (NM_001376910.1); c.481A>G, p.Ile161Val (NM_001376911.1, NM_018193.3); short protein forms I68V, I161V.
Identifiers: ClinVar variation 3655871 (VCV003655871.2).

ClinVar aggregate classification (germline): Uncertain significance (1 of 4 stars; one submission).

Conditions:
Fanconi anemia (FA). Also called: Fanconi's anemia. Identifiers: Orphanet 84, MedGen C0015625, MeSH D005199, MONDO:0019391.

Submission:

Labcorp Genetics (formerly Invitae), Labcorp
Classification: Uncertain significance for Fanconi anemia. Last evaluated: 2024-06-08. Review status: criteria provided, single submitter. Criteria: Invitae Variant Classification Sherloc (09022015). Collection method: clinical testing. Allele origin: germline.
Comment: This sequence change replaces isoleucine, which is neutral and non-polar, with valine, which is neutral and non-polar, at codon 161 of the FANCI protein (p.Ile161Val). This variant is not present in population databases (gnomAD no frequency). This variant has not been reported in the literature in individuals affected with FANCI-related conditions. Advanced modeling of protein sequence and biophysical properties (such as structural, functional, and spatial information, amino acid conservation, physicochemical variation, residue mobility, and thermodynamic stability) performed at Invitae indicates that this missense variant is not expected to disrupt FANCI protein function with a negative predictive value of 80%. In summary, the available evidence is currently insufficient to determine the role of this variant in disease. Therefore, it has been classified as a Variant of Uncertain Significance.